The following is an entry in ClinVar:

ClinVar aggregate classification (germline): Conflicting classifications of pathogenicity. Review status: criteria provided, conflicting classifications (1 of 4 stars). 2 submissions from 2 submitters: Uncertain significance (1); Likely benign (1). Last evaluated 2024-12-26.

Submissions (2):

Mayo Clinic Laboratories, Mayo Clinic
Classification: Likely benign. Last evaluated: 2024-12-26. Review status: criteria provided, single submitter. Criteria: ACMG Guidelines, 2015. Collection method: clinical testing. Allele origin: germline. Observed: 1 variant allele.
Comment: BS1_supporting, BP4_strong

Women's Health and Genetics/Laboratory Corporation of America, LabCorp
Classification: Uncertain significance. Last evaluated: 2024-08-27. Review status: criteria provided, single submitter. Criteria: LabCorp Variant Classification Summary - May 2015. Collection method: clinical testing. Allele origin: germline.
Comment: Variant summary: GP1BA c.905G>A (p.Gly302Asp) results in a non-conservative amino acid change in the encoded protein sequence. Four of five in-silico tools predict a benign effect of the variant on protein function. The variant allele was found at a frequency of 0.00029 in 249272 control chromosomes. This frequency is not significantly higher than estimated for a pathogenic variant in GP1BA causing Bernard-Soulier Syndrome, Type A2, Autosomal Dominant, allowing no conclusion about variant significance. c.905G>A has been reported in the literature. These report(s) do not provide unequivocal conclusions about association of the variant with Bernard-Soulier Syndrome, Type A2, Autosomal Dominant. To our knowledge, no experimental evidence demonstrating an impact on protein function has been reported. The following publications have been ascertained in the context of this evaluation (PMID: 28748566, 26419432). No submitters have cited clinical-significance assessments for this variant to ClinVar. Based on the evidence outlined above, the variant was classified as uncertain significance.

Literature cited by the submitters: PubMed 28748566 (cited by Women's Health and Genetics/Laboratory Corporation of America, LabCorp); PubMed 26419432 (cited by Women's Health and Genetics/Laboratory Corporation of America, LabCorp).

NM_000173.7(GP1BA):c.905G>A (p.Gly302Asp)

Gene: GP1BA (glycoprotein Ib platelet subunit alpha; plus strand). Cytogenetic location: 17p13.2.
Variant type: single nucleotide variant.
Coding change: c.905G>A on transcript NM_000173.7 (MANE Select); coding-DNA position 905, G replaced by A.
Protein change: p.Gly302Asp; replaces glycine 302 with aspartic acid.
Molecular consequence: missense variant.
Genome position (GRCh38, 1-based): chr17:4,933,509, G>A. VCF-style: chr17-4933509-G-A. GRCh37 (hg19) VCF-style: chr17-4836804-G-A.
Other names: p.Gly302Asp; short protein forms G302D.
Identifiers: ClinVar variation 3366573 (VCV003366573.2).